The following is an entry in ClinVar:

NM_007294.4(BRCA1):c.5239del (p.Gln1747fs)

Gene: BRCA1 (BRCA1 DNA repair associated; minus strand). Cytogenetic location: 17q21.31.
Variant type: Deletion.
Coding change: c.5239del on transcript NM_007294.4 (MANE Select); coding-DNA position 5239, one base deleted (C; older notation c.5239delC).
Protein change: p.Gln1747fs; shifts the reading frame from glutamine 1747.
Molecular consequence: frameshift variant. On other transcripts: non-coding transcript variant (1).
Genome position (GRCh38, 1-based): chr17:43,057,090, G deleted on the plus strand (C on the coding strand, the reverse complement: BRCA1 is on the minus strand); the first of 2 consecutive G bases (chr17:43,057,090-43,057,091); deleting either gives the same sequence. VCF-style (leftmost placement, unchanged base first): chr17-43057089-TG-T. GRCh37 (hg19) VCF-style: chr17-41209106-TG-T.
Other names: 5358delC; c.5239delC (NM_007294.3); c.5025delC, p.Gln1676Lysfs (NM_001407571.1, NM_001407894.1, NM_001407895.1 and 12 more transcripts); c.5304delC, p.Gln1769Lysfs (NM_001407581.1, NM_001407582.1); c.5301delC, p.Gln1768Lysfs (NM_001407583.1, NM_001407585.1, NM_001407587.1); c.5298delC, p.Gln1767Lysfs (NM_001407590.1, NM_001407591.1); c.5238delC, p.Gln1747Lysfs (NM_001407593.1, NM_001407594.1, NM_001407596.1 and 7 more transcripts); c.5235delC, p.Gln1746Lysfs (NM_001407610.1, NM_001407611.1, NM_001407612.1 and 17 more transcripts); and 77 more; short protein forms Q1700fs, Q1747fs, Q643fs, Q1768fs.
Identifiers: ClinVar variation 266538 (VCV000266538.15), dbSNP rs886040282, ClinGen allele CA10589605.

ClinVar aggregate classification (germline): Pathogenic. Review status: reviewed by expert panel (3 of 4 stars). 6 submissions from 6 submitters: Pathogenic (1). 5 of the submissions do not count toward it. Last evaluated 2016-10-18.

Conditions:
Hereditary cancer-predisposing syndrome. Also called: Hereditary Cancer Syndrome; Neoplastic Syndromes, Hereditary; Hereditary neoplastic syndrome; Tumor predisposition. Identifiers: Orphanet 140162, MedGen C0027672, MeSH D009386, MONDO:0015356.
Hereditary breast ovarian cancer syndrome. Also called: Hereditary breast and ovarian cancer syndrome (HBOC); Breast and ovarian cancer; Hereditary breast and ovarian cancer syndrome; Hereditary breast and ovarian cancer; BRCA1- and BRCA2-Associated Hereditary Breast and Ovarian Cancer; Hereditary breast and/or ovarian cancer syndrome. Identifiers: Orphanet 145, MedGen C0677776, MeSH D061325, MONDO:0003582. Disease mechanism: loss of function.
Breast-ovarian cancer, familial, susceptibility to, 1 (BROVCA1). Also called: BRCA1 Hereditary Breast and Ovarian Cancer; OVARIAN CANCER, SUSCEPTIBILITY TO. Identifiers: Orphanet 145, MedGen C2676676, MONDO:0011450, OMIM 604370. Disease mechanism: loss of function.

Submissions (6):

Evidence-based Network for the Interpretation of Germline Mutant Alleles (ENIGMA)
Classification: Pathogenic for Breast-ovarian cancer, familial, susceptibility to, 1. Last evaluated: 2016-10-18. Review status: reviewed by expert panel. Criteria: ENIGMA BRCA1/2 Classification Criteria (2015). Collection method: curation. Allele origin: germline.
Comment: Variant allele predicted to encode a truncated non-functional protein.

Ambry Genetics
Classification: Pathogenic for Hereditary cancer-predisposing syndrome. Last evaluated: 2025-11-04. Review status: criteria provided, single submitter. Criteria: Ambry Variant Classification Scheme 2023. Collection method: clinical testing. Allele origin: germline. Not counted in ClinVar's aggregate classification.
Comment: The c.5239delC pathogenic mutation, located in coding exon 18 of the BRCA1 gene, results from a deletion of one nucleotide at nucleotide position 5239, causing a translational frameshift with a predicted alternate stop codon (p.Q1747Kfs*18). This variant is considered to be rare based on population cohorts in the Genome Aggregation Database (gnomAD). This alteration is expected to result in loss of function by premature protein truncation or nonsense-mediated mRNA decay. As such, this alteration is interpreted as a disease-causing mutation.

Baylor Genetics
Classification: Pathogenic for Breast-ovarian cancer, familial, susceptibility to, 1. Last evaluated: 2023-04-12. Review status: criteria provided, single submitter. Criteria: ACMG Guidelines, 2015. Collection method: clinical testing. Allele origin: unknown. Not counted in ClinVar's aggregate classification.

Labcorp Genetics (formerly Invitae), Labcorp
Classification: Pathogenic for Hereditary breast ovarian cancer syndrome. Last evaluated: 2022-11-07. Review status: criteria provided, single submitter. Criteria: Invitae Variant Classification Sherloc (09022015). Collection method: clinical testing. Allele origin: germline. Not counted in ClinVar's aggregate classification.
Comment: For these reasons, this variant has been classified as Pathogenic. ClinVar contains an entry for this variant (Variation ID: 266538). This premature translational stop signal has been observed in individual(s) with breast and/or ovarian cancer (PMID: 31528241). This variant is not present in population databases (gnomAD no frequency). This sequence change creates a premature translational stop signal (p.Gln1747Lysfs*18) in the BRCA1 gene. It is expected to result in an absent or disrupted protein product. Loss-of-function variants in BRCA1 are known to be pathogenic (PMID: 20104584).

Color Diagnostics, LLC DBA Color Health
Classification: Pathogenic for Hereditary cancer-predisposing syndrome. Last evaluated: 2020-04-30. Review status: criteria provided, single submitter. Criteria: ACMG Guidelines, 2015. Collection method: clinical testing. Allele origin: germline. Not counted in ClinVar's aggregate classification.
Comment: This variant deletes 1 nucleotide in exon 19 of the BRCA1 gene, creating a frameshift and premature translation stop signal. This variant is expected to result in an absent or non-functional protein product. This variant has been reported in an individual affected with breast and/or ovarian cancer (PMID: 31528241). This variant has not been identified in the general population by the Genome Aggregation Database (gnomAD). Loss of BRCA1 function is a known mechanism of disease. Based on the available evidence, this variant is classified as Pathogenic.

Consortium of Investigators of Modifiers of BRCA1/2 (CIMBA), c/o University of Cambridge
Classification: Pathogenic for Breast-ovarian cancer, familial, susceptibility to, 1. Last evaluated: 2015-10-02. Review status: criteria provided, single submitter. Criteria: CIMBA Mutation Classification guidelines May 2016. Collection method: clinical testing. Allele origin: germline. Not counted in ClinVar's aggregate classification.

Literature cited by the submitters: PubMed 31528241 (cited by Labcorp Genetics (formerly Invitae), Labcorp); PubMed 20104584 (cited by Labcorp Genetics (formerly Invitae), Labcorp).